The following is an entry in ClinVar:

ClinVar aggregate classification (germline): Likely benign. Review status: criteria provided, single submitter (1 of 4 stars). 2 submissions from 2 submitters: Likely benign (1). 1 of the submissions does not count toward it. Last evaluated 2026-01-12.

Conditions:
Developmental and epileptic encephalopathy, 34 (DEE34). Also called: Early infantile epileptic encephalopathy 34; SLC12A5-Related Epilepsy of Infancy with Migrating Focal Seizures. Identifiers: Orphanet 293181, MedGen C4225257, MONDO:0014718, OMIM 616645.
SLC12A5-related disorder. Also called: SLC12A5-related condition.

Allele frequency attached by ClinVar (database versions not stated): gnomAD 0.00070 and 0.00064; TOPMed 0.00072; ESP Exome Variant Server 0.00100; gnomAD exomes 0.00006 and 0.00018; ExAC 0.00023; 1000 Genomes Project 30x 0.00047; 1000 Genomes Project 0.00060.
gnomAD v4.1: 180 of 1,612,432 alleles (0.011%); highest among the groups gnomAD compares: African/African-American, 0.23%; no homozygotes.

Submissions (2):

Labcorp Genetics (formerly Invitae), Labcorp
Classification: Likely benign for Developmental and epileptic encephalopathy, 34. Last evaluated: 2026-01-12. Review status: criteria provided, single submitter. Criteria: Invitae Variant Classification Sherloc (09022015). Collection method: clinical testing. Allele origin: germline.

PreventionGenetics, part of Exact Sciences
Classification: Likely benign for SLC12A5-related condition. Last evaluated: 2024-08-20. Review status: no assertion criteria provided. Collection method: clinical testing. Allele origin: germline. Not counted in ClinVar's aggregate classification.
Comment: This variant is classified as likely benign based on ACMG/AMP sequence variant interpretation guidelines (Richards et al. 2015 PMID: 25741868, with internal and published modifications).

NM_020708.5(SLC12A5):c.2680-3C>T

Gene: SLC12A5 (solute carrier family 12 member 5; plus strand). Cytogenetic location: 20q13.12.
Variant type: single nucleotide variant.
Coding change: c.2680-3C>T on transcript NM_020708.5 (MANE Select); 3 bases into the intron before coding-DNA position 2680, C replaced by T.
Molecular consequence: intron variant.
Genome position (GRCh38, 1-based): chr20:46,054,913, C>T. VCF-style: chr20-46054913-C-T. GRCh37 (hg19) VCF-style: chr20-44683552-C-T.
Other names: c.2749-3C>T (NM_001134771.2).
Identifiers: ClinVar variation 475652 (VCV000475652.13), dbSNP rs141933171, ClinGen allele CA9887679.
Genomic context (GRCh38, chr20:46,054,913, plus strand): 5'-ACCTCATGCTTTCCTCCGTGTTCCTCTCCCCACCCCCCAACCCCAACCTCTGTCTGCCCA[C>T]AGCATGAGAGCGACATCTCAGCTTACACCTATGAGAAGACGTTGGTGATGGAGCAGCGTT-3'